The following is an entry in ClinVar:

ClinVar aggregate classification (germline): Likely benign (1 of 4 stars; one submission).

gnomAD v4.1: 12 of 1,541,524 alleles (0.00078%); highest among the groups gnomAD compares: Admixed American, 0.0039%; no homozygotes.

Submission:

CeGaT Center for Human Genetics Tuebingen
Classification: Likely benign. Last evaluated: 2026-01-01. Review status: criteria provided, single submitter. Criteria: CeGaT Center For Human Genetics Tuebingen Variant Classification Criteria Version 2. Collection method: clinical testing. Allele origin: germline. Affected: yes. Observed: 1 variant allele.
Comment: TOP2B: BP4, BP7

NM_001330700.2(TOP2B):c.237G>A (p.Thr79=)

Gene: TOP2B (DNA topoisomerase II beta; minus strand). Cytogenetic location: 3p24.2.
Variant type: single nucleotide variant.
Coding change: c.237G>A on transcript NM_001330700.2 (MANE Select); coding-DNA position 237, G replaced by A.
Protein change: p.Thr79=; no amino-acid change (threonine 79 retained).
Molecular consequence: synonymous variant.
Genome position (GRCh38, 1-based): chr3:25,645,303, C>T on the plus strand (G>A on the coding strand, the complement: TOP2B is on the minus strand). VCF-style: chr3-25645303-C-T. GRCh37 (hg19) VCF-style: chr3-25686794-C-T.
Other names: c.222G>A, p.Thr74= (NM_001068.3).
Identifiers: ClinVar variation 4821609 (VCV004821609.4).
Genomic context (GRCh38, chr3:25,645,303, plus strand): 5'-TAAAAAGTAAATATAGATGCACATCTCCTAATTTCAATCAATTTTAGCAATAATTACCTG[C>T]GTCAATGGCTCCACTGACCCAATATATGTATCAGGACGAAGAAGAATGTGTTCAAGTTGT-3'
Protein context (NP_001317629.1, residues 69-89): DTYIGSVEPL[Thr79=]QFMWVYDEDV